The following is an entry in ClinVar:

NM_020631.6(PLEKHG5):c.2827G>A (p.Gly943Ser)

Gene: PLEKHG5 (pleckstrin homology and RhoGEF domain containing G5; minus strand). Cytogenetic location: 1p36.31.
Variant type: single nucleotide variant.
Coding change: c.2827G>A on transcript NM_020631.6 (MANE Select); coding-DNA position 2827, G replaced by A.
Protein change: p.Gly943Ser; replaces glycine 943 with serine.
Molecular consequence: missense variant. On other transcripts: intron variant (1).
Genome position (GRCh38, 1-based): chr1:6,468,009, C>T on the plus strand (G>A on the coding strand, the complement: PLEKHG5 is on the minus strand). VCF-style: chr1-6468009-C-T. GRCh37 (hg19) VCF-style: chr1-6528069-C-T.
Other names: c.2938G>A, p.Gly980Ser (NM_001042663.3, NM_001265592.2); c.2827G>A, p.Gly943Ser (NM_001042664.2, NM_001042665.2, NM_198681.4); c.3034G>A, p.Gly1012Ser (NM_001265593.2); c.2737+90G>A (NM_001265594.3); short protein forms G1012S, G943S, G980S.
Identifiers: ClinVar variation 646472 (VCV000646472.8), dbSNP rs114619322, ClinGen allele CA338114637.

ClinVar aggregate classification (germline): Uncertain significance (1 of 4 stars; one submission).

Conditions:
Charcot-Marie-Tooth disease recessive intermediate C. Also called: CHARCOT-MARIE-TOOTH NEUROPATHY, RECESSIVE INTERMEDIATE C. Identifiers: Orphanet 369867, MedGen C3809309, MONDO:0014154, OMIM 615376.
Neuronopathy, distal hereditary motor, autosomal recessive 4. Also called: Autosomal recessive lower motor neuron disease with childhood onset; NEUROPATHY, DISTAL HEREDITARY MOTOR, AUTOSOMAL RECESSIVE 4. Identifiers: Orphanet 206580, MedGen C1970211, MONDO:0012608, OMIM 611067.

gnomAD v4.1: 10 of 1,553,348 alleles (0.00064%); highest among the groups gnomAD compares: East Asian, 0.017%; no homozygotes.

Submission:

Labcorp Genetics (formerly Invitae), Labcorp
Classification: Uncertain significance for Neuronopathy, distal hereditary motor, autosomal recessive 4; Charcot-Marie-Tooth disease recessive intermediate C. Last evaluated: 2018-10-15. Review status: criteria provided, single submitter. Criteria: Invitae Variant Classification Sherloc (09022015). Collection method: clinical testing. Allele origin: germline.
Comment: This sequence change replaces glycine with serine at codon 943 of the PLEKHG5 protein (p.Gly943Ser). The glycine residue is weakly conserved and there is a small physicochemical difference between glycine and serine. The frequency data for this variant in the population databases is considered unreliable, as metrics indicate insufficient coverage at this position in the ExAC database. This variant has not been reported in the literature in individuals with PLEKHG5-related disease. Algorithms developed to predict the effect of missense changes on protein structure and function output the following: SIFT: "Tolerated"; PolyPhen-2: "Benign"; Align-GVGD: "Class C0". The serine amino acid residue is found in multiple mammalian species, suggesting that this missense change does not adversely affect protein function. These predictions have not been confirmed by published functional studies and their clinical significance is uncertain. In summary, the available evidence is currently insufficient to determine the role of this variant in disease. Therefore, it has been classified as a Variant of Uncertain Significance.